The following is an entry in ClinVar:

NM_005765.3(ATP6AP2):c.529A>G (p.Asn177Asp)

Gene: ATP6AP2 (ATPase H+ transporting accessory protein 2; plus strand). Cytogenetic location: Xp11.4.
Variant type: single nucleotide variant.
Coding change: c.529A>G on transcript NM_005765.3 (MANE Select); coding-DNA position 529, A replaced by G.
Protein change: p.Asn177Asp; replaces asparagine 177 with aspartic acid.
Molecular consequence: missense variant.
Genome position (GRCh38, 1-based): chrX:40,597,659, A>G. VCF-style: chrX-40597659-A-G. GRCh37 (hg19) VCF-style: chrX-40456911-A-G.
Other names: short protein forms N177D.
Identifiers: ClinVar variation 2087281 (VCV002087281.4), dbSNP rs2518964603, ClinGen allele CA412755857.
Genomic context (GRCh38, chrX:40,597,659, plus strand): 5'-CGCCTGTTTCAAGAAAACTCTGTTCTCAGTTCACTCCCCCTCAATTCTCTGAGTAGGAAC[A>G]ATGAAGTAAGTGCAGTTATTCAATGAATACATGAATATCATTAATTTCCGTCTTTTTAAA-3'
Protein context (NP_005756.2, residues 167-187): SLPLNSLSRN[Asn177Asp]EVDLLFLSEL

ClinVar aggregate classification (germline): Uncertain significance (1 of 4 stars; one submission).

Conditions:
Intellectual developmental disorder, X-linked, syndromic, Hedera type. Also called: Syndromic X-linked intellectual disability Hedera type. Identifiers: Orphanet 93952, MedGen C1845543, MONDO:0010319, OMIM 300423.

Submission:

Labcorp Genetics (formerly Invitae), Labcorp
Classification: Uncertain significance for Intellectual developmental disorder, X-linked, syndromic, Hedera type. Last evaluated: 2022-05-18. Review status: criteria provided, single submitter. Criteria: Invitae Variant Classification Sherloc (09022015). Collection method: clinical testing. Allele origin: germline.
Comment: This sequence change replaces asparagine, which is neutral and polar, with aspartic acid, which is acidic and polar, at codon 177 of the ATP6AP2 protein (p.Asn177Asp). This variant is not present in population databases (gnomAD no frequency). This variant has not been reported in the literature in individuals affected with ATP6AP2-related conditions. Algorithms developed to predict the effect of missense changes on protein structure and function (SIFT, PolyPhen-2, Align-GVGD) all suggest that this variant is likely to be tolerated. In summary, the available evidence is currently insufficient to determine the role of this variant in disease. Therefore, it has been classified as a Variant of Uncertain Significance.